The following is an entry in ClinVar:

ClinVar aggregate classification (germline): Uncertain significance. Review status: criteria provided, multiple submitters, no conflicts (2 of 4 stars). 2 submissions from 2 submitters: Uncertain significance (2). Last evaluated 2025-10-24.

Conditions:
RYR1-related disorder. Also called: RYR1-related condition; RYR1-related disorders. Identifiers: MedGen CN239331.
Malignant hyperthermia, susceptibility to, 1 (MHS1). Also called: Anesthesia related hyperthermia; Malignant hyperpyrexia; Fulminating hyperpyrexia; Pharmacogenic myopathy; RYR1-Related Malignant Hyperthermia Susceptibility; Malignant hyperthermia suceptibility 1. Identifiers: Orphanet 423, MedGen C2930980, MONDO:0007783, OMIM 145600.

Allele frequency attached by ClinVar (database versions not stated): gnomAD exomes below 0.00001; TOPMed 0.00001.
gnomAD v4.1: 1 of 1,614,162 alleles (0.000062%); highest among the groups gnomAD compares: Non-Finnish European, 0.000085%; no homozygotes.

Submissions (2):

Labcorp Genetics (formerly Invitae), Labcorp
Classification: Uncertain significance for RYR1-related disorder. Last evaluated: 2025-10-24. Review status: criteria provided, single submitter. Criteria: Invitae Variant Classification Sherloc (09022015). Collection method: clinical testing. Allele origin: germline.
Comment: This sequence change replaces alanine, which is neutral and non-polar, with valine, which is neutral and non-polar, at codon 2315 of the RYR1 protein (p.Ala2315Val). This variant is not present in population databases (gnomAD no frequency). This variant has not been reported in the literature in individuals affected with RYR1-related conditions. ClinVar contains an entry for this variant (Variation ID: 3075197). Invitae Evidence Modeling of protein sequence and biophysical properties (such as structural, functional, and spatial information, amino acid conservation, physicochemical variation, residue mobility, and thermodynamic stability) indicates that this missense variant is not expected to disrupt RYR1 protein function with a negative predictive value of 80%. In summary, the available evidence is currently insufficient to determine the role of this variant in disease. Therefore, it has been classified as a Variant of Uncertain Significance.

All of Us Research Program, National Institutes of Health
Classification: Uncertain significance for Malignant hyperthermia, susceptibility to, 1. Last evaluated: 2023-12-18. Review status: criteria provided, single submitter. Criteria: ACMG Guidelines, 2015. Collection method: clinical testing. Allele origin: germline. Inheritance: Autosomal dominant inheritance. Observed: 1 variant allele, 1 heterozygote.
Comment: This missense variant replaces alanine with valine at codon 2315 of the RYR1 protein. Computational prediction is inconclusive regarding the impact of this variant on protein structure and function (internally defined REVEL score threshold 0.5 < inconclusive < 0.7, PMID: 27666373). To our knowledge, functional studies have not been reported for this variant. This variant has not been reported in individuals affected with RYR1-related disorders in the literature. This variant has not been identified in the general population by the Genome Aggregation Database (gnomAD). The available evidence is insufficient to determine the role of this variant in disease conclusively. Therefore, this variant is classified as a Variant of Uncertain Significance.

This study involves interpretation of variants in research participants for the purpose of population health screening. Participant phenotype was not available at the time of variant classification. Additional details can be found in publication PMID: 35346344, PMCID: PMC8962531

NM_000540.3(RYR1):c.6944C>T (p.Ala2315Val)

Gene: RYR1 (ryanodine receptor 1; plus strand). Cytogenetic location: 19q13.2.
Variant type: single nucleotide variant.
Coding change: c.6944C>T on transcript NM_000540.3 (MANE Select); coding-DNA position 6944, C replaced by T.
Protein change: p.Ala2315Val; replaces alanine 2315 with valine.
Molecular consequence: missense variant.
Genome position (GRCh38, 1-based): chr19:38,499,160, C>T. VCF-style: chr19-38499160-C-T. GRCh37 (hg19) VCF-style: chr19-38989800-C-T.
Other names: c.6944C>T, p.Ala2315Val (NM_001042723.2); short protein forms A2315V.
Identifiers: ClinVar variation 3075197 (VCV003075197.2), dbSNP rs1969980848, ClinGen allele CA405667242.